The following is an entry in ClinVar:

NM_000260.4(MYO7A):c.2348G>T (p.Cys783Phe)

Gene: MYO7A (myosin VIIA; plus strand). Cytogenetic location: 11q13.5.
Variant type: single nucleotide variant.
Coding change: c.2348G>T on transcript NM_000260.4 (MANE Select); coding-DNA position 2348, G replaced by T.
Protein change: p.Cys783Phe; replaces cysteine 783 with phenylalanine.
Molecular consequence: missense variant.
Genome position (GRCh38, 1-based): chr11:77,179,110, G>T. VCF-style: chr11-77179110-G-T. GRCh37 (hg19) VCF-style: chr11-76890156-G-T.
Other names: c.2348G>T, p.Cys783Phe (NM_001127180.2); c.2315G>T, p.Cys772Phe (NM_001369365.1); short protein forms C772F, C783F.
Identifiers: ClinVar variation 1518592 (VCV001518592.3), dbSNP rs376014415, ClinGen allele CA6197812.
Genomic context (GRCh38, chr11:77,179,110, plus strand): 5'-ACTTTCTGAAGCTGAAGAACGCTGCCACACTGATCCAGAGGCACTGGCGGGGTCACAACT[G>T]TAGGAAGAACTACGGGCTGGTGAGCCTCCCCATGGGCTGCTCTTGCCCAAACAGGCCTTT-3'
Protein context (NP_000251.3, residues 773-793): LIQRHWRGHN[Cys783Phe]RKNYGLMRLG

ClinVar aggregate classification (germline): Uncertain significance (1 of 4 stars; one submission).

Allele frequency attached by ClinVar (database versions not stated): gnomAD exomes 0.00002; ExAC 0.00006.
gnomAD v4.1: 8 of 1,604,268 alleles (0.0005%); highest among the groups gnomAD compares: Non-Finnish European, 0.00068%; no homozygotes.

Submission:

Labcorp Genetics (formerly Invitae), Labcorp
Classification: Uncertain significance. Last evaluated: 2022-05-20. Review status: criteria provided, single submitter. Criteria: Invitae Variant Classification Sherloc (09022015). Collection method: clinical testing. Allele origin: germline.
Comment: This sequence change replaces cysteine, which is neutral and slightly polar, with phenylalanine, which is neutral and non-polar, at codon 783 of the MYO7A protein (p.Cys783Phe). This variant is present in population databases (rs376014415, gnomAD 0.004%). This variant has not been reported in the literature in individuals affected with MYO7A-related conditions. Advanced modeling of protein sequence and biophysical properties (such as structural, functional, and spatial information, amino acid conservation, physicochemical variation, residue mobility, and thermodynamic stability) performed at Invitae indicates that this missense variant is not expected to disrupt MYO7A protein function. In summary, the available evidence is currently insufficient to determine the role of this variant in disease. Therefore, it has been classified as a Variant of Uncertain Significance.